The following is an entry in ClinVar:

NM_004429.5(EFNB1):c.355C>T (p.Pro119Ser)

Gene: EFNB1 (ephrin B1; plus strand). Cytogenetic location: Xq13.1.
Variant type: single nucleotide variant.
Coding change: c.355C>T on transcript NM_004429.5 (MANE Select); coding-DNA position 355, C replaced by T.
Protein change: p.Pro119Ser; replaces proline 119 with serine.
Molecular consequence: missense variant.
Genome position (GRCh38, 1-based): chrX:68,838,843, C>T. VCF-style: chrX-68838843-C-T. GRCh37 (hg19) VCF-style: chrX-68058686-C-T.
Other names: short protein forms P119S.
Identifiers: ClinVar variation 4998372 (VCV004998372.1).
Genomic context (GRCh38, chrX:68,838,843, plus strand): 5'-GTCACCTGCAATAGGCCAGAGCAGGAAATACGCTTTACCATCAAGTTCCAGGAGTTCAGC[C>T]CCAACTACATGGGCCTGGAGTTCAAGAAGCACCATGATTACTACATTACCTGTGAGTCCC-3'
Protein context (NP_004420.1, residues 109-129): RFTIKFQEFS[Pro119Ser]NYMGLEFKKH

ClinVar aggregate classification (germline): Uncertain significance (1 of 4 stars; one submission).

Conditions:
EFNB1-related disorder. Also called: EFNB1-related condition.

Submission:

PreventionGenetics, part of Exact Sciences
Classification: Uncertain significance for EFNB1-related condition. Last evaluated: 2025-01-15. Review status: criteria provided, single submitter. Criteria: ACMG Guidelines, 2015. Collection method: clinical testing. Allele origin: germline.
Comment: The EFNB1 c.355C>T variant is predicted to result in the amino acid substitution p.Pro119Ser. This variant has been reported in one individual with craniofrontonasal syndrome (Wieland et al. 2005. PubMed ID: 15959873). Alternate variants affecting the same amino acid position (p.Pro119Ala; p.Pro119His, and p.Pro119Thr) have also been reported in individuals with craniofrontonasal syndrome (Twigg et al. 2004. PubMed ID: 15166289; Wieland et al. 2005. PubMed ID: 15959873; Twigg et al. 2006. PubMed ID: 16685650). This variant has not been reported in a large population database (gnomAD), indicating this variant is rare. Although we suspect this variant may be pathogenic, at this time, the clinical significance of this variant is uncertain due to the absence of conclusive functional and genetic evidence.